The following is an entry in ClinVar:

NM_000142.5(FGFR3):c.377C>G (p.Thr126Arg)

Gene: FGFR3 (fibroblast growth factor receptor 3; plus strand). Cytogenetic location: 4p16.3.
Variant type: single nucleotide variant.
Coding change: c.377C>G on transcript NM_000142.5 (MANE Select); coding-DNA position 377, C replaced by G.
Protein change: p.Thr126Arg; replaces threonine 126 with arginine.
Molecular consequence: missense variant. On other transcripts: non-coding transcript variant (1).
Genome position (GRCh38, 1-based): chr4:1,799,521, C>G. VCF-style: chr4-1799521-C-G. GRCh37 (hg19) VCF-style: chr4-1801248-C-G.
Other names: c.377C>G, p.Thr126Arg (NM_001163213.2, NM_001354809.2, NM_001354810.2 and 1 more transcripts); short protein forms T126R.
Identifiers: ClinVar variation 1679997 (VCV001679997.7), dbSNP rs2108774057, ClinGen allele CA355973379.

ClinVar aggregate classification (germline): Uncertain significance. Review status: criteria provided, multiple submitters, no conflicts (2 of 4 stars). 2 submissions from 2 submitters: Uncertain significance (2). Last evaluated 2022-09-13.

Allele frequency attached by ClinVar (database versions not stated): gnomAD exomes below 0.00001.

Submissions (2):

Labcorp Genetics (formerly Invitae), Labcorp
Classification: Uncertain significance. Last evaluated: 2022-09-13. Review status: criteria provided, single submitter. Criteria: Invitae Variant Classification Sherloc (09022015). Collection method: clinical testing. Allele origin: germline.
Comment: ClinVar contains an entry for this variant (Variation ID: 1679997). In summary, the available evidence is currently insufficient to determine the role of this variant in disease. Therefore, it has been classified as a Variant of Uncertain Significance. Algorithms developed to predict the effect of sequence changes on RNA splicing suggest that this variant may create or strengthen a splice site. Algorithms developed to predict the effect of missense changes on protein structure and function are either unavailable or do not agree on the potential impact of this missense change (SIFT: "Deleterious"; PolyPhen-2: "Possibly Damaging"; Align-GVGD: "Class C0"). This variant has not been reported in the literature in individuals affected with FGFR3-related conditions. This variant is not present in population databases (gnomAD no frequency). This sequence change replaces threonine, which is neutral and polar, with arginine, which is basic and polar, at codon 126 of the FGFR3 protein (p.Thr126Arg).

Blueprint Genetics
Classification: Uncertain significance. Last evaluated: 2021-06-28. Review status: criteria provided, single submitter. Criteria: ACMG Guidelines, 2015. Collection method: clinical testing. Allele origin: germline.